The following is an entry in ClinVar:

ClinVar aggregate classification (germline): Likely pathogenic (1 of 4 stars; one submission).

Conditions:
Autosomal dominant nonsyndromic hearing loss 15 (DFNA15). Also called: DEAFNESS, AUTOSOMAL DOMINANT 52; Autosomal dominant nonsyndromic hearing loss 52. Identifiers: Orphanet 90635, MedGen C1865366, MONDO:0011226, OMIM 602459.

Submission:

Institute of Rare Diseases, West China Hospital, Sichuan University
Classification: Likely pathogenic for Autosomal dominant nonsyndromic hearing loss 15. Last evaluated: 2025-01-09. Review status: criteria provided, single submitter. Criteria: ClinGen HL ACMG Specifications v1. Collection method: research. Allele origin: germline. Affected: yes.
Comment: PVS1;PM2_Supporting

NM_002700.3(POU4F3):c.296_297dup (p.Pro100fs)

Genes: POU4F3 (POU class 4 homeobox 3; plus strand), RBM27-POU4F3 (RBM27-POU4F3 readthrough; plus strand). Cytogenetic location: 5q32.
Variant type: Duplication.
Coding change: c.296_297dup on transcript NM_002700.3 (MANE Select); coding-DNA positions 296 to 297, 2 bases duplicated (AC; older notation c.296_297dupAC).
Protein change: p.Pro100fs; shifts the reading frame from proline 100.
Molecular consequence: frameshift variant. On other transcripts: 3 prime UTR variant (1).
Genome position (GRCh38, 1-based): chr5:146,339,723-146,339,724, AC duplicated; duplicating any 2 consecutive bases within chr5:146,339,722-146,339,724 gives the same sequence; the c. name uses the placement nearest the transcript's 3' end. VCF-style (leftmost placement, unchanged base first): chr5-146339721-C-CCA. GRCh37 (hg19) VCF-style: chr5-145719284-C-CCA.
Other names: c.*165_*166dup (NM_001414499.1); short protein forms P100fs.
Identifiers: ClinVar variation 3601692 (VCV003601692.1).